The following is an entry in ClinVar:

ClinVar aggregate classification (germline): Uncertain significance (1 of 4 stars; one submission).

Conditions:
Hereditary spastic paraplegia 11. Also called: Spastic paraplegia, mental retardation and thin corpus callosum; SPASTIC PARAPLEGIA, AUTOSOMAL RECESSIVE, COMPLICATED, WITH THIN CORPUS CALLOSUM; SPASTIC PARAPLEGIA, AUTOSOMAL RECESSIVE, WITH MENTAL IMPAIRMENT AND THIN CORPUS CALLOSUM; Nakamura Osame syndrome; Autosomal recessive hereditary spastic paraplegia, mental impairment, and thin corpus callosum; Spastic Paraplegia 11. Identifiers: Orphanet 2822, MedGen C1858479, MONDO:0011445, OMIM 604360.

Allele frequency attached by ClinVar (database versions not stated): gnomAD exomes below 0.00001 and 0.00001; TOPMed below 0.00001.
gnomAD v4.1: 10 of 1,614,210 alleles (0.00062%); highest among the groups gnomAD compares: Non-Finnish European, 0.00085%; no homozygotes.

Submission:

Labcorp Genetics (formerly Invitae), Labcorp
Classification: Uncertain significance for Hereditary spastic paraplegia 11. Last evaluated: 2022-04-15. Review status: criteria provided, single submitter. Criteria: Invitae Variant Classification Sherloc (09022015). Collection method: clinical testing. Allele origin: germline.
Comment: This sequence change replaces asparagine, which is neutral and polar, with aspartic acid, which is acidic and polar, at codon 247 of the SPG11 protein (p.Asn247Asp). This variant is present in population databases (no rsID available, gnomAD 0.0009%). This variant has not been reported in the literature in individuals affected with SPG11-related conditions. ClinVar contains an entry for this variant (Variation ID: 571879). Algorithms developed to predict the effect of missense changes on protein structure and function output the following: SIFT: "Tolerated"; PolyPhen-2: "Possibly Damaging"; Align-GVGD: "Class C0". The aspartic acid amino acid residue is found in multiple mammalian species, which suggests that this missense change does not adversely affect protein function. In summary, the available evidence is currently insufficient to determine the role of this variant in disease. Therefore, it has been classified as a Variant of Uncertain Significance.

NM_025137.4(SPG11):c.739A>G (p.Asn247Asp)

Gene: SPG11 (SPG11 vesicle trafficking associated, spatacsin; minus strand). Cytogenetic location: 15q21.1.
Variant type: single nucleotide variant.
Coding change: c.739A>G on transcript NM_025137.4 (MANE Select); coding-DNA position 739, A replaced by G.
Protein change: p.Asn247Asp; replaces asparagine 247 with aspartic acid.
Molecular consequence: missense variant.
Genome position (GRCh38, 1-based): chr15:44,657,225, T>C on the plus strand (A>G on the coding strand, the complement: SPG11 is on the minus strand). VCF-style: chr15-44657225-T-C. GRCh37 (hg19) VCF-style: chr15-44949423-T-C.
Other names: c.739A>G, p.Asn247Asp (NM_001160227.2); short protein forms N247D.
Identifiers: ClinVar variation 571879 (VCV000571879.4), dbSNP rs1483558811, ClinGen allele CA392237391.